The following is an entry in ClinVar:

NM_001127898.4(CLCN5):c.1114C>T (p.Arg372Cys)

Gene: CLCN5 (chloride voltage-gated channel 5; plus strand). Cytogenetic location: Xp11.23.
Variant type: single nucleotide variant.
Coding change: c.1114C>T on transcript NM_001127898.4 (MANE Select); coding-DNA position 1114, C replaced by T.
Protein change: p.Arg372Cys; replaces arginine 372 with cysteine.
Molecular consequence: missense variant.
Genome position (GRCh38, 1-based): chrX:50,086,427, C>T. VCF-style: chrX-50086427-C-T. GRCh37 (hg19) VCF-style: chrX-49851084-C-T.
Other names: c.904C>T, p.Arg302Cys (NM_000084.5); c.1114C>T, p.Arg372Cys (NM_001127899.4); c.964C>T, p.Arg322Cys (NM_001282163.2); c.904C>T (NM_000084.2); short protein forms R322C, R302C, R372C.
Identifiers: ClinVar variation 1524043 (VCV001524043.6), dbSNP rs781967363, ClinGen allele CA10413840.

ClinVar aggregate classification (germline): Uncertain significance. Review status: criteria provided, multiple submitters, no conflicts (2 of 4 stars). 2 submissions from 2 submitters: Uncertain significance (2). Last evaluated 2024-07-06.

Conditions:
Inborn genetic diseases. Identifiers: MedGen C0950123, MeSH D030342.

Allele frequency attached by ClinVar (database versions not stated): gnomAD 0.00001 and 0.00002; TOPMed 0.00001; gnomAD exomes 0.00004 and 0.00006; ExAC 0.00011.

Submissions (2):

Labcorp Genetics (formerly Invitae), Labcorp
Classification: Uncertain significance. Last evaluated: 2024-07-06. Review status: criteria provided, single submitter. Criteria: Invitae Variant Classification Sherloc (09022015). Collection method: clinical testing. Allele origin: germline.
Comment: This sequence change replaces arginine, which is basic and polar, with cysteine, which is neutral and slightly polar, at codon 302 of the CLCN5 protein (p.Arg302Cys). This variant is present in population databases (rs781967363, gnomAD 0.06%), and has an allele count higher than expected for a pathogenic variant. This variant has not been reported in the literature in individuals affected with CLCN5-related conditions. ClinVar contains an entry for this variant (Variation ID: 1524043). An algorithm developed to predict the effect of missense changes on protein structure and function (PolyPhen-2) suggests that this variant is likely to be disruptive. In summary, the available evidence is currently insufficient to determine the role of this variant in disease. Therefore, it has been classified as a Variant of Uncertain Significance.

Ambry Genetics
Classification: Uncertain significance for Inborn genetic diseases. Last evaluated: 2021-10-12. Review status: criteria provided, single submitter. Criteria: Ambry Variant Classification Scheme 2023. Collection method: clinical testing. Allele origin: germline.